The following is an entry in ClinVar:

NM_198503.5(KCNT2):c.2320G>T (p.Val774Phe)

Gene: KCNT2 (potassium sodium-activated channel subfamily T member 2; minus strand). Cytogenetic location: 1q31.3.
Variant type: single nucleotide variant.
Coding change: c.2320G>T on transcript NM_198503.5 (MANE Select); coding-DNA position 2320, G replaced by T.
Protein change: p.Val774Phe; replaces valine 774 with phenylalanine.
Molecular consequence: missense variant. On other transcripts: non-coding transcript variant (1), intron variant (2).
Genome position (GRCh38, 1-based): chr1:196,319,512, C>A on the plus strand (G>T on the coding strand, the complement: KCNT2 is on the minus strand). VCF-style: chr1-196319512-C-A. GRCh37 (hg19) VCF-style: chr1-196288642-C-A.
Other names: c.2127-3486G>T (NM_001287820.3); c.2277-3486G>T (NM_001287819.3); short protein forms V774F.
Identifiers: ClinVar variation 4056528 (VCV004056528.1).
Genomic context (GRCh38, chr1:196,319,512, plus strand): 5'-CTAGTTAGTGTGCCAAAGATTTTGTCACCTACTTGTCAATAGAGCCCACCATGTAGTAAA[C>A]CATTGGAAACCAACAGATTGCATCCAGAAAATGCATATCTGGCCTAAGTAGTAGATGGGT-3'
Protein context (NP_940905.2, residues 764-784): FLDAICWFPM[Val774Phe]YYMVGSIDNL

ClinVar aggregate classification (germline): Uncertain significance (1 of 4 stars; one submission).

Conditions:
Developmental and epileptic encephalopathy, 57. Also called: EPILEPTIC ENCEPHALOPATHY, EARLY INFANTILE, 57. Identifiers: MedGen C4540411, MONDO:0033366, OMIM 617771.

Submission:

Laboratorio de Genetica e Diagnostico Molecular, Hospital Israelita Albert Einstein
Classification: Uncertain significance for Developmental and epileptic encephalopathy, 57. Last evaluated: 2023-07-21. Review status: criteria provided, single submitter. Criteria: ACMG Guidelines, 2015. Collection method: clinical testing. Allele origin: germline. Affected: yes.
Comment: ACMG classification criteria: PM2 moderate, PP3 supporting